The following is an entry in ClinVar:

NM_000051.4(ATM):c.6352del (p.Glu2118fs)

Genes: ATM (ATM serine/threonine kinase; plus strand), C11orf65 (chromosome 11 open reading frame 65; minus strand). Cytogenetic location: 11q22.3.
Variant type: Deletion.
Coding change: c.6352del on transcript NM_000051.4 (MANE Select); coding-DNA position 6352, one base deleted (G; older notation c.6352delG).
Protein change: p.Glu2118fs; shifts the reading frame from glutamic acid 2118.
Molecular consequence: frameshift variant. On other transcripts: intron variant (2).
Genome position (GRCh38, 1-based): chr11:108,319,958, G deleted. VCF-style (leftmost placement, unchanged base first): chr11-108319957-AG-A. GRCh37 (hg19) VCF-style: chr11-108190684-AG-A.
Other names: c.6352delG, p.Glu2118Lysfs (NM_000051.3); c.6352del, p.Glu2118fs (NM_001351834.2); c.641-10887del (NM_001330368.2); c.*39-10887del (NM_001351110.2); short protein forms E2118fs.
Identifiers: ClinVar variation 545800 (VCV000545800.50), dbSNP rs1555116357, ClinGen allele CA658822142.

ClinVar aggregate classification (germline): Pathogenic/Likely pathogenic. Review status: criteria provided, multiple submitters, no conflicts (2 of 4 stars). 4 submissions from 4 submitters: Pathogenic (3); Likely pathogenic (1). Last evaluated 2024-01-29.

Conditions:
Hereditary cancer-predisposing syndrome. Also called: Hereditary Cancer Syndrome; Neoplastic Syndromes, Hereditary; Tumor predisposition; Hereditary neoplastic syndrome. Identifiers: Orphanet 140162, MedGen C0027672, MeSH D009386, MONDO:0015356.
Ataxia-telangiectasia syndrome (AT). Also called: Cerebello-oculocutaneous telangiectasia; Immunodeficiency with ataxia telangiectasia; Ataxia-telangiectasia, complementation group E; Ataxia-telangiectasia, complementation group D; AT, COMPLEMENTATION GROUP C; ATAXIA-TELANGIECTASIA, COMPLEMENTATION GROUP A. Identifiers: Orphanet 100, MedGen C0004135, MONDO:0008840, OMIM 208900.
Familial cancer of breast. Also called: BREAST CANCER, FAMILIAL; Hereditary breast cancer; hereditary breast carcinoma. Identifiers: Orphanet 227535, MedGen C0346153, MONDO:0016419, OMIM 114480. Disease mechanism: loss of function.

Submissions (4):

Myriad Genetics, Inc.
Classification: Pathogenic for Familial cancer of breast. Last evaluated: 2024-01-29. Review status: criteria provided, single submitter. Criteria: Myriad Autosomal Dominant, Autosomal Recessive and X-Linked Classification Criteria (2023). Collection method: clinical testing. Allele origin: unknown.
Comment: This variant is considered pathogenic. This variant creates a frameshift predicted to result in premature protein truncation.

Labcorp Genetics (formerly Invitae), Labcorp
Classification: Pathogenic for Ataxia-telangiectasia syndrome. Last evaluated: 2021-09-23. Review status: criteria provided, single submitter. Criteria: Invitae Variant Classification Sherloc (09022015). Collection method: clinical testing. Allele origin: germline.
Comment: For these reasons, this variant has been classified as Pathogenic. Loss-of-function variants in ATM are known to be pathogenic (PMID: 23807571, 25614872). This variant has not been reported in the literature in individuals with ATM-related conditions. ClinVar contains an entry for this variant (Variation ID: 545800). This variant is not present in population databases (ExAC no frequency). This sequence change creates a premature translational stop signal (p.Glu2118Lysfs*2) in the ATM gene. It is expected to result in an absent or disrupted protein product.

Ambry Genetics
Classification: Pathogenic for Hereditary cancer-predisposing syndrome. Last evaluated: 2021-01-27. Review status: criteria provided, single submitter. Criteria: Ambry Variant Classification Scheme 2023. Collection method: clinical testing. Allele origin: germline.
Comment: The c.6352delG pathogenic mutation, located in coding exon 43 of the ATM gene, results from a deletion of one nucleotide at nucleotide position 6352, causing a translational frameshift with a predicted alternate stop codon (p.E2118Kfs*2). This alteration is expected to result in loss of function by premature protein truncation or nonsense-mediated mRNA decay. As such, this alteration is interpreted as a disease-causing mutation.

GeneDx
Classification: Likely pathogenic. Last evaluated: 2017-06-26. Review status: criteria provided, single submitter. Criteria: GeneDx Variant Classification (06012015). Collection method: clinical testing. Allele origin: germline. Affected: yes.
Comment: This deletion of one nucleotide in ATM is denoted c.6352delG at the cDNA level and p.Glu2118LysfsX2 (E2118KfsX2) at the protein level. The normal sequence, with the base that is deleted in brackets, is CAAA[delG]AAGT. The deletion causes a frameshift which changes a Glutamic Acid to a Lysine at codon 2118, and creates a premature stop codon at position 2 of the new reading frame. Although this variant has not, to our knowledge, been reported in the literature, it is predicted to cause loss of normal protein function through either protein truncation or nonsense-mediated mRNA decay. Based on the currently available information, we consider this deletion to be a likely pathogenic variant.

Literature cited by the submitters: PubMed 23807571 (cited by Labcorp Genetics (formerly Invitae), Labcorp); PubMed 25614872 (cited by Labcorp Genetics (formerly Invitae), Labcorp).